The following is an entry in ClinVar:

NM_001371986.1(UNC80):c.1029G>A (p.Trp343Ter)

Gene: UNC80 (unc-80 subunit of NALCN channel complex; plus strand). Cytogenetic location: 2q34.
Variant type: single nucleotide variant.
Coding change: c.1029G>A on transcript NM_001371986.1 (MANE Select); coding-DNA position 1029, G replaced by A.
Protein change: p.Trp343Ter; replaces tryptophan 343 with a stop codon.
Molecular consequence: nonsense.
Genome position (GRCh38, 1-based): chr2:209,813,670, G>A. VCF-style: chr2-209813670-G-A. GRCh37 (hg19) VCF-style: chr2-210678394-G-A.
Other names: c.1029G>A, p.Trp343Ter (NM_032504.2, NM_182587.4); short protein forms W343*.
Identifiers: ClinVar variation 3377699 (VCV003377699.2).

ClinVar aggregate classification (germline): Likely pathogenic. Review status: criteria provided, multiple submitters, no conflicts (2 of 4 stars). 2 submissions from 2 submitters: Likely pathogenic (2). Last evaluated 2024-12-16.

Conditions:
Hypotonia, infantile, with psychomotor retardation and characteristic facies 2 (IHPRF2). Also called: UNC80 Deficiency. Identifiers: Orphanet 371364, Orphanet 700333, MedGen C4225203, MONDO:0014777, OMIM 616801.

Submissions (2):

Diagnostics Services (NGS), CSIR - Centre For Cellular And Molecular Biology
Classification: Likely pathogenic for Hypotonia, infantile, with psychomotor retardation and characteristic facies 2. Last evaluated: 2024-12-16. Review status: criteria provided, single submitter. Criteria: ACMG Guidelines, 2015. Collection method: clinical testing. Allele origin: unknown. Affected: no. Observed: 2 variant alleles, 2 heterozygotes.
Comment: The c.1029G>A variant is not present in publicly available population databases like 1000 Genomes, EVS, gnomAD, Indian Exome Database or our internal database. This variant has neither been reported in the literature in individuals affected with UNC80-related conditions nor reported to the clinical databases like ClinVar, OMIM, or HGMD, in any affected individuals. In-silico pathogenicity prediction programs like MutationTaster2, CADD, Varsome, Franklin, InterVar etc. predicted this variant to be likely deleterious. This variant creates a premature translational stop signal at the 343rd amino acid position of the wild-type transcript that may either result in translation of a truncated protein or cause nonsense mediated decay of the mRNA. This variant was identified in a couple as a part of carrier screening.

Neuberg Centre For Genomic Medicine, NCGM
Classification: Likely pathogenic for Hypotonia, infantile, with psychomotor retardation and characteristic facies 2. Review status: criteria provided, single submitter. Criteria: ACMG Guidelines, 2015. Collection method: clinical testing. Allele origin: germline. Inheritance: Autosomal recessive inheritance. Affected: yes.
Comment: The observed stop gained c.1029G>A (p.Trp343Ter) variant in UNC80 gene has not been reported previously as a pathogenic variant nor as a benign variant, to our knowledge. The p.Trp343Ter variant is absent in gnomAD Exomes. This variant has been not been submitted to the ClinVar database. The reference amino acid of p.Trp343Ter in UNC80 is predicted as conserved by GERP++ and PhyloP across 100 vertebrates. This sequence change creates a premature translational stop signal (p.Trp343Ter) in the UNC80 gene. This variant is predicted to cause loss of normal protein function through protein truncation. Loss of function variants have been previously reported to be disease causing. However, additional functional studies will be required to prove the pathogenicity of this variant. For these reasons, this variant has been classified as Likely Pathogenic.